The following is an entry in ClinVar:

ClinVar aggregate classification (germline): Uncertain significance (1 of 4 stars; one submission).

Conditions:
Lymphatic malformation 6 (LMPHM6). Also called: GENERALIZED LYMPHATIC DYSPLASIA OF FOTIOU; Lymphedema, hereditary, III; PIEZO1-related generalized lymphatic dysplasia with non-immune hydrops fetalis. Identifiers: Orphanet 568062, MedGen C4225184, MONDO:0014797, OMIM 616843.

Allele frequency attached by ClinVar (database versions not stated): gnomAD 0.00001.
gnomAD v4.1: 4 of 1,386,610 alleles (0.00029%); highest among the groups gnomAD compares: South Asian, 0.0014%; no homozygotes.

Submission:

Baylor Genetics
Classification: Uncertain significance for Lymphatic malformation 6. Last evaluated: 2020-06-03. Review status: criteria provided, single submitter. Criteria: ACMG Guidelines, 2015. Collection method: clinical testing. Allele origin: unknown. Affected: yes.
Comment: This variant was determined to be of uncertain significance according to ACMG Guidelines, 2015 [PMID:25741868].

NM_001142864.4(PIEZO1):c.19G>C (p.Gly7Arg)

Gene: PIEZO1 (piezo type mechanosensitive ion channel component 1 (Er blood group); minus strand). Cytogenetic location: 16q24.3.
Variant type: single nucleotide variant.
Coding change: c.19G>C on transcript NM_001142864.4 (MANE Select); coding-DNA position 19, G replaced by C.
Protein change: p.Gly7Arg; replaces glycine 7 with arginine.
Molecular consequence: missense variant.
Genome position (GRCh38, 1-based): chr16:88,784,946, C>G on the plus strand (G>C on the coding strand, the complement: PIEZO1 is on the minus strand). VCF-style: chr16-88784946-C-G. GRCh37 (hg19) VCF-style: chr16-88851354-C-G.
Other names: short protein forms G7R.
Identifiers: ClinVar variation 1030204 (VCV001030204.1), dbSNP rs1226315961, ClinGen allele CA397064814.